The following is an entry in ClinVar:

ClinVar aggregate classification (germline): Likely pathogenic (1 of 4 stars; one submission).

Conditions:
PCNT-related disorder. Also called: PCNT-related condition.

Submission:

PreventionGenetics, part of Exact Sciences
Classification: Likely pathogenic for PCNT-related condition. Last evaluated: 2025-08-24. Review status: criteria provided, single submitter. Criteria: ACMG Guidelines, 2015. Collection method: clinical testing. Allele origin: germline.
Comment: The PCNT c.2524_2535delinsCTCCC variant is predicted to result in a frameshift and premature protein termination (p.Glu842Leufs*13). To our knowledge, this variant has not been reported in the literature or in a large population database (gnomAD), indicating this variant is rare. Frameshift variants in PCNT are expected to be pathogenic. This variant is interpreted as likely pathogenic.

NM_006031.6(PCNT):c.2524_2535delinsCTCCC (p.Glu842fs)

Gene: PCNT (pericentrin; plus strand). Cytogenetic location: 21q22.3.
Variant type: Indel.
Coding change: c.2524_2535delinsCTCCC on transcript NM_006031.6 (MANE Select); coding-DNA positions 2524 to 2535, GAGCCGCCCACA replaced by CTCCC.
Protein change: p.Glu842fs; shifts the reading frame from glutamic acid 842.
Molecular consequence: frameshift variant.
Genome position (GRCh38, 1-based): chr21:46,363,849-46,363,860, GAGCCGCCCACA replaced by CTCCC. VCF-style: chr21-46363849-GAGCCGCCCACA-CTCCC. GRCh37 (hg19) VCF-style: chr21-47783764-GAGCCGCCCACA-CTCCC.
Other names: c.2170_2181delinsCTCCC, p.Glu724fs (NM_001315529.2); short protein forms E842fs, E724fs.
Identifiers: ClinVar variation 4994268 (VCV004994268.1).
Genomic context (GRCh38, chr21:46,363,849, plus strand): 5'-CAGCAGCTGGAACAGGACCTCACTTCAGACGACGCCCTGCATTGCAGCCAGTGTGGGCGG[GAGCCGCCCACA>CTCCC]GCCCAGGACGGGGAGCTTGCTGCGCTCCACGTGAAGGAAGACTGCGCCCTGCAGCTGATG-3'